The following is an entry in ClinVar:

NM_005026.5(PIK3CD):c.538C>A (p.Pro180Thr)

Gene: PIK3CD (phosphatidylinositol-4,5-bisphosphate 3-kinase catalytic subunit delta; plus strand). Cytogenetic location: 1p36.22.
Variant type: single nucleotide variant.
Coding change: c.538C>A on transcript NM_005026.5 (MANE Select); coding-DNA position 538, C replaced by A.
Protein change: p.Pro180Thr; replaces proline 180 with threonine.
Molecular consequence: missense variant.
Genome position (GRCh38, 1-based): chr1:9,716,016, C>A. VCF-style: chr1-9716016-C-A. GRCh37 (hg19) VCF-style: chr1-9776074-C-A.
Other names: c.538C>A, p.Pro180Thr (NM_001350234.2, NM_001350235.1); short protein forms P180T.
Identifiers: ClinVar variation 851469 (VCV000851469.10), dbSNP rs767838052, ClinGen allele CA576896.

ClinVar aggregate classification (germline): Uncertain significance (1 of 4 stars; one submission).

Conditions:
Immunodeficiency 14 (IMD14A). Also called: p110-DELTA-ACTIVATING MUTATION CAUSING SENESCENT T CELLS, LYMPHADENOPATHY, AND IMMUNODEFICIENCY; Activated PI3K Delta Syndrome Type 1 (APDS1); ACTIVATED PI3K-DELTA SYNDROME 1; IMMUNODEFICIENCY 14A WITH LYMPHOPROLIFERATION, AUTOSOMAL DOMINANT. Identifiers: Orphanet 397596, Orphanet 693661, MedGen C5907821, MONDO:0014222, OMIM 615513.

Allele frequency attached by ClinVar (database versions not stated): gnomAD exomes 0.00003; ExAC 0.00006.

Submission:

Labcorp Genetics (formerly Invitae), Labcorp
Classification: Uncertain significance for Activated PI3K-delta syndrome. Last evaluated: 2025-06-22. Review status: criteria provided, single submitter. Criteria: Invitae Variant Classification Sherloc (09022015). Collection method: clinical testing. Allele origin: germline.
Comment: This sequence change replaces proline, which is neutral and non-polar, with threonine, which is neutral and polar, at codon 180 of the PIK3CD protein (p.Pro180Thr). This variant is present in population databases (rs767838052, gnomAD 0.007%). This variant has not been reported in the literature in individuals affected with PIK3CD-related conditions. ClinVar contains an entry for this variant (Variation ID: 851469). Invitae Evidence Modeling of protein sequence and biophysical properties (such as structural, functional, and spatial information, amino acid conservation, physicochemical variation, residue mobility, and thermodynamic stability) indicates that this missense variant is not expected to disrupt PIK3CD protein function with a negative predictive value of 80%. In summary, the available evidence is currently insufficient to determine the role of this variant in disease. Therefore, it has been classified as a Variant of Uncertain Significance.